The following is an entry in ClinVar:

ClinVar aggregate classification (germline): Likely benign (0 of 4 stars; one submission).

Conditions:
ATIC-related disorder. Also called: ATIC-related condition.

Allele frequency attached by ClinVar (database versions not stated): gnomAD 0.00002; TOPMed 0.00003; gnomAD exomes 0.00004; ExAC 0.00014; 1000 Genomes Project 30x 0.00016; 1000 Genomes Project 0.00020.
gnomAD v4.1: 67 of 1,614,178 alleles (0.0042%); highest among the groups gnomAD compares: South Asian, 0.03%; 1 homozygote.

Submission:

PreventionGenetics, part of Exact Sciences
Classification: Likely benign for ATIC-related condition. Last evaluated: 2019-03-26. Review status: no assertion criteria provided. Collection method: clinical testing. Allele origin: germline.
Comment: This variant is classified as likely benign based on ACMG/AMP sequence variant interpretation guidelines (Richards et al. 2015 PMID: 25741868, with internal and published modifications).

NM_004044.7(ATIC):c.102C>T (p.Ser34=)

Gene: ATIC (5-aminoimidazole-4-carboxamide ribonucleotide formyltransferase/IMP cyclohydrolase; plus strand). Cytogenetic location: 2q35.
Variant type: single nucleotide variant.
Coding change: c.102C>T on transcript NM_004044.7 (MANE Select); coding-DNA position 102, C replaced by T.
Protein change: p.Ser34=; no amino-acid change (serine 34 retained).
Molecular consequence: synonymous variant.
Genome position (GRCh38, 1-based): chr2:215,312,580, C>T. VCF-style: chr2-215312580-C-T. GRCh37 (hg19) VCF-style: chr2-216177303-C-T.
Identifiers: ClinVar variation 3058388 (VCV003058388.2), dbSNP rs537063971, ClinGen allele CA2092774.